The following is an entry in ClinVar:

NM_005477.3(HCN4):c.479A>G (p.Gln160Arg)

Gene: HCN4 (hyperpolarization activated cyclic nucleotide gated potassium channel 4; minus strand). Cytogenetic location: 15q24.1.
Variant type: single nucleotide variant.
Coding change: c.479A>G on transcript NM_005477.3 (MANE Select); coding-DNA position 479, A replaced by G.
Protein change: p.Gln160Arg; replaces glutamine 160 with arginine.
Molecular consequence: missense variant.
Genome position (GRCh38, 1-based): chr15:73,367,792, T>C on the plus strand (A>G on the coding strand, the complement: HCN4 is on the minus strand). VCF-style: chr15-73367792-T-C. GRCh37 (hg19) VCF-style: chr15-73660133-T-C.
Other names: c.479A>G (NM_005477.2); short protein forms Q160R.
Identifiers: ClinVar variation 2706676 (VCV002706676.5), dbSNP rs1200627448, ClinGen allele CA393097897.

ClinVar aggregate classification (germline): Uncertain significance. Review status: criteria provided, multiple submitters, no conflicts (2 of 4 stars). 2 submissions from 2 submitters: Uncertain significance (2). Last evaluated 2026-01-28.

Conditions:
Cardiovascular phenotype. Identifiers: MedGen CN230736.
Brugada syndrome 8 (BRGDA8). Identifiers: Orphanet 130, MedGen C2751083, MONDO:0013148, OMIM 613123.

Allele frequency attached by ClinVar (database versions not stated): gnomAD 0.00001; gnomAD exomes below 0.00001.
gnomAD v4.1: 4 of 1,296,776 alleles (0.00031%); highest among the groups gnomAD compares: Non-Finnish European, 0.00039%; no homozygotes.

Submissions (2):

Labcorp Genetics (formerly Invitae), Labcorp
Classification: Uncertain significance for Brugada syndrome 8. Last evaluated: 2026-01-28. Review status: criteria provided, single submitter. Criteria: Invitae Variant Classification Sherloc (09022015). Collection method: clinical testing. Allele origin: germline.
Comment: This sequence change replaces glutamine, which is neutral and polar, with arginine, which is basic and polar, at codon 160 of the HCN4 protein (p.Gln160Arg). This variant is present in population databases (no rsID available, gnomAD 0.007%). This variant has not been reported in the literature in individuals affected with HCN4-related conditions. ClinVar contains an entry for this variant (Variation ID: 2706676). Invitae Evidence Modeling of protein sequence and biophysical properties (such as structural, functional, and spatial information, amino acid conservation, physicochemical variation, residue mobility, and thermodynamic stability) indicates that this missense variant is not expected to disrupt HCN4 protein function with a negative predictive value of 95%. In summary, the available evidence is currently insufficient to determine the role of this variant in disease. Therefore, it has been classified as a Variant of Uncertain Significance.

Ambry Genetics
Classification: Uncertain significance for Cardiovascular phenotype. Last evaluated: 2025-10-05. Review status: criteria provided, single submitter. Criteria: Ambry Variant Classification Scheme 2023. Collection method: clinical testing. Allele origin: germline.
Comment: The p.Q160R variant (also known as c.479A>G), located in coding exon 1 of the HCN4 gene, results from an A to G substitution at nucleotide position 479. The glutamine at codon 160 is replaced by arginine, an amino acid with highly similar properties. This amino acid position is conserved. In addition, this alteration is predicted to be tolerated by in silico analysis. Based on the available evidence, the clinical significance of this variant remains unclear.